The following is an entry in ClinVar:

NM_000528.4(MAN2B1):c.1889A>G (p.Asn630Ser)

Gene: MAN2B1 (mannosidase alpha class 2B member 1; minus strand). Cytogenetic location: 19p13.13.
Variant type: single nucleotide variant.
Coding change: c.1889A>G on transcript NM_000528.4 (MANE Select); coding-DNA position 1889, A replaced by G.
Protein change: p.Asn630Ser; replaces asparagine 630 with serine.
Molecular consequence: missense variant.
Genome position (GRCh38, 1-based): chr19:12,652,402, T>C on the plus strand (A>G on the coding strand, the complement: MAN2B1 is on the minus strand). VCF-style: chr19-12652402-T-C. GRCh37 (hg19) VCF-style: chr19-12763216-T-C.
Other names: c.1886A>G, p.Asn629Ser (NM_001173498.2); short protein forms N630S, N629S.
Identifiers: ClinVar variation 1400035 (VCV001400035.9), dbSNP rs539124424, ClinGen allele CA9226284.
Genomic context (GRCh38, chr19:12,652,402, plus strand): 5'-GGCCTGGTGATCTTCCCTTACCAGAAGAAGGTCTGGCGAACAGGCAGCAGGAGTTGCTGA[T>C]TCATGTTCATAATCTCCATCAACAGCCCTGTGTCAGGATCAAACGTTGCCCGGATGTGCT-3'
Protein context (NP_000519.2, residues 620-640): TGLLMEIMNM[Asn630Ser]QQLLLPVRQT

ClinVar aggregate classification (germline): Uncertain significance (1 of 4 stars; one submission).

Conditions:
Deficiency of alpha-mannosidase (MANSA). Also called: Mannosidosis, alpha-, types I and II; Alpha-Mannosidosis; LYSOSOMAL ALPHA-D-MANNOSIDASE DEFICIENCY. Identifiers: Orphanet 61, MedGen C0024748, MONDO:0009561, OMIM 248500.

Allele frequency attached by ClinVar (database versions not stated): gnomAD exomes below 0.00001; ExAC 0.00001; gnomAD 0.00001 and 0.00002; TOPMed 0.00001; 1000 Genomes Project 30x 0.00016; 1000 Genomes Project 0.00020.
gnomAD v4.1: 5 of 1,614,170 alleles (0.00031%); highest among the groups gnomAD compares: African/African-American, 0.0053%; no homozygotes.

Submission:

Labcorp Genetics (formerly Invitae), Labcorp
Classification: Uncertain significance for Deficiency of alpha-mannosidase. Last evaluated: 2022-07-11. Review status: criteria provided, single submitter. Criteria: Invitae Variant Classification Sherloc (09022015). Collection method: clinical testing. Allele origin: germline.
Comment: In summary, the available evidence is currently insufficient to determine the role of this variant in disease. Therefore, it has been classified as a Variant of Uncertain Significance. Algorithms developed to predict the effect of missense changes on protein structure and function (SIFT, PolyPhen-2, Align-GVGD) all suggest that this variant is likely to be tolerated. ClinVar contains an entry for this variant (Variation ID: 1400035). This variant has not been reported in the literature in individuals affected with MAN2B1-related conditions. This variant is present in population databases (rs539124424, gnomAD 0.007%). This sequence change replaces asparagine, which is neutral and polar, with serine, which is neutral and polar, at codon 630 of the MAN2B1 protein (p.Asn630Ser).